The following is an entry in ClinVar:

NM_004304.5(ALK):c.1155T>A (p.Gly385=)

Gene: ALK (ALK receptor tyrosine kinase; minus strand). Cytogenetic location: 2p23.2.
Variant type: single nucleotide variant.
Coding change: c.1155T>A on transcript NM_004304.5 (MANE Select); coding-DNA position 1155, T replaced by A.
Protein change: p.Gly385=; no amino-acid change (glycine 385 retained).
Molecular consequence: synonymous variant.
Genome position (GRCh38, 1-based): chr2:29,383,859, A>T on the plus strand (T>A on the coding strand, the complement: ALK is on the minus strand). VCF-style: chr2-29383859-A-T. GRCh37 (hg19) VCF-style: chr2-29606725-A-T.
Identifiers: ClinVar variation 2764396 (VCV002764396.3), dbSNP rs369505500, ClinGen allele CA425508430.

ClinVar aggregate classification (germline): Uncertain significance (1 of 4 stars; one submission).

Conditions:
Neuroblastoma, susceptibility to, 3. Also called: ALK-Related Neuroblastic Tumor Susceptibility. Identifiers: Orphanet 635, MedGen C2751681, MONDO:0013083, OMIM 613014.

Submission:

Labcorp Genetics (formerly Invitae), Labcorp
Classification: Uncertain significance for Neuroblastoma, susceptibility to, 3. Last evaluated: 2023-09-29. Review status: criteria provided, single submitter. Criteria: Invitae Variant Classification Sherloc (09022015). Collection method: clinical testing. Allele origin: germline.
Comment: This variant is not present in population databases (gnomAD no frequency). This variant has not been reported in the literature in individuals affected with ALK-related conditions. Algorithms developed to predict the effect of sequence changes on RNA splicing suggest that this variant is not likely to affect RNA splicing. This sequence change affects codon 385 of the ALK mRNA. It is a 'silent' change, meaning that it does not change the encoded amino acid sequence of the ALK protein. It affects a nucleotide within the consensus splice site. In summary, the available evidence is currently insufficient to determine the role of this variant in disease. Therefore, it has been classified as a Variant of Uncertain Significance.